The following is an entry in ClinVar:

NM_001754.5(RUNX1):c.425C>A (p.Ala142Asp)

Genes: RUNX1 (RUNX family transcription factor 1; minus strand), RUNX1-AS1 (RUNX1 antisense RNA 1; plus strand). Cytogenetic location: 21q22.12.
Variant type: single nucleotide variant.
Coding change: c.425C>A on transcript NM_001754.5 (MANE Select); coding-DNA position 425, C replaced by A.
Protein change: p.Ala142Asp; replaces alanine 142 with aspartic acid.
Molecular consequence: missense variant.
Genome position (GRCh38, 1-based): chr21:34,880,640, G>T on the plus strand (C>A on the coding strand, the complement: RUNX1 is on the minus strand). VCF-style: chr21-34880640-G-T. GRCh37 (hg19) VCF-style: chr21-36252937-G-T.
Other names: NM_001754.5:c.425C>A; c.344C>A, p.Ala115Asp (NM_001001890.3, NM_001122607.2); short protein forms A115D, A142D.
Identifiers: ClinVar variation 3255390 (VCV003255390.2), dbSNP rs2146362305.

ClinVar aggregate classification (germline): Uncertain significance (3 of 4 stars; one submission).

Conditions:
Hereditary thrombocytopenia and hematologic cancer predisposition syndrome. Identifiers: Orphanet 71290, MedGen CN281654, MONDO:0011071.

Submission:

ClinGen Myeloid Malignancy Variant Curation Expert Panel
Classification: Uncertain significance for Hereditary thrombocytopenia and hematologic cancer predisposition syndrome. Last evaluated: 2024-07-11. Review status: reviewed by expert panel. Criteria: ClinGen MyeloMalig ACMG Specifications v2. Collection method: curation. Allele origin: germline. Inheritance: Autosomal dominant inheritance.
Comment: NM_001754.5(RUNX1):c.425C>A (p.Ala142Asp) is a missense variant which has a REVEL score ≥ 0.88 (0.919) (PP3). This variant is found within the Runt Homology Domain, but does not occur at a known hotspot residue (PM1_Supporting). This variant is completely absent from all population databases with at least 20x coverage for RUNX1 (PM2_Supporting). This variant has been reported in one proband meeting at least one of the RUNX1-phenotypic criteria (PS4_supporting; PMID: 29146900). In summary, the clinical significance of this variant is uncertain. ACMG/AMP criteria applied, as specified by the Myeloid Malignancy Variant Curation Expert Panel for RUNX1: PP3, PM1_supporting, PM2_supporting, PS4_supporting.